The following is an entry in ClinVar:

ClinVar aggregate classification (germline): Uncertain significance (1 of 4 stars; one submission).

Conditions:
Hereditary cancer-predisposing syndrome. Also called: Neoplastic Syndromes, Hereditary; Tumor predisposition; Hereditary Cancer Syndrome; Hereditary neoplastic syndrome. Identifiers: Orphanet 140162, MedGen C0027672, MeSH D009386, MONDO:0015356.

Submission:

Ambry Genetics
Classification: Uncertain significance for Hereditary cancer-predisposing syndrome. Last evaluated: 2021-07-16. Review status: criteria provided, single submitter. Criteria: Ambry Variant Classification Scheme 2023. Collection method: clinical testing. Allele origin: germline.
Comment: The p.V1266L variant (also known as c.3796G>C), located in coding exon 25 of the RAD50 gene, results from a G to C substitution at nucleotide position 3796. The valine at codon 1266 is replaced by leucine, an amino acid with highly similar properties. This amino acid position is conserved. In addition, this alteration is predicted to be tolerated by in silico analysis. Since supporting evidence is limited at this time, the clinical significance of this alteration remains unclear.

NM_005732.4(RAD50):c.3796G>C (p.Val1266Leu)

Genes: RAD50 (RAD50 double strand break repair protein; plus strand), TH2LCRR (T helper type 2 locus control region associated RNA; minus strand). Cytogenetic location: 5q31.1.
Variant type: single nucleotide variant.
Coding change: c.3796G>C on transcript NM_005732.4 (MANE Select); coding-DNA position 3796, G replaced by C.
Protein change: p.Val1266Leu; replaces valine 1266 with leucine.
Molecular consequence: missense variant. On other transcripts: non-coding transcript variant (1).
Genome position (GRCh38, 1-based): chr5:132,642,221, G>C. VCF-style: chr5-132642221-G-C. GRCh37 (hg19) VCF-style: chr5-131977913-G-C.
Other names: short protein forms V1266L.
Identifiers: ClinVar variation 1734988 (VCV001734988.2), dbSNP rs750133404, ClinGen allele CA360935852.
Genomic context (GRCh38, chr5:132,642,221, plus strand): 5'-TGAATATATTGTTGCAGGATAATAAAAAGTCGCTCACAGCAGCGTAACTTCCAGCTTCTG[G>C]TAATCACTCATGATGAAGATTTTGTGGAGCTTTTAGGACGTTCTGAATATGTGGAGAAAT-3'
Protein context (NP_005723.2, residues 1256-1276): RSQQRNFQLL[Val1266Leu]ITHDEDFVEL